The following is an entry in ClinVar:

NM_080632.3(UPF3B):c.19C>T (p.His7Tyr)

Gene: UPF3B (UPF3B regulator of nonsense mediated mRNA decay; minus strand). Cytogenetic location: Xq24.
Variant type: single nucleotide variant.
Coding change: c.19C>T on transcript NM_080632.3 (MANE Select); coding-DNA position 19, C replaced by T.
Protein change: p.His7Tyr; replaces histidine 7 with tyrosine.
Molecular consequence: missense variant.
Genome position (GRCh38, 1-based): chrX:119,852,910, G>A on the plus strand (C>T on the coding strand, the complement: UPF3B is on the minus strand). VCF-style: chrX-119852910-G-A. GRCh37 (hg19) VCF-style: chrX-118986873-G-A.
Other names: c.19C>T, p.His7Tyr (NM_023010.4); short protein forms H7Y.
Identifiers: ClinVar variation 3715717 (VCV003715717.2).

ClinVar aggregate classification (germline): Uncertain significance (1 of 4 stars; one submission).

Conditions:
Intellectual developmental disorder, X-linked, syndromic 14. Also called: Syndromic X-linked intellectual disability 14. Identifiers: Orphanet 776, MedGen C1970822, MONDO:0010398, OMIM 300676.

Submission:

Labcorp Genetics (formerly Invitae), Labcorp
Classification: Uncertain significance for Intellectual developmental disorder, X-linked, syndromic 14. Last evaluated: 2024-11-25. Review status: criteria provided, single submitter. Criteria: Invitae Variant Classification Sherloc (09022015). Collection method: clinical testing. Allele origin: germline.
Comment: This sequence change replaces histidine, which is basic and polar, with tyrosine, which is neutral and polar, at codon 7 of the UPF3B protein (p.His7Tyr). This variant is present in population databases (rs776650878, gnomAD 0.008%). This variant has not been reported in the literature in individuals affected with UPF3B-related conditions. An algorithm developed to predict the effect of missense changes on protein structure and function outputs the following: PolyPhen-2: "Not Available". The tyrosine amino acid residue is found in multiple mammalian species, which suggests that this missense change does not adversely affect protein function. In summary, the available evidence is currently insufficient to determine the role of this variant in disease. Therefore, it has been classified as a Variant of Uncertain Significance.